The following is an entry in ClinVar:

ClinVar aggregate classification (germline): Benign/Likely benign. Review status: criteria provided, multiple submitters, no conflicts (2 of 4 stars). 19 submissions from 17 submitters: Benign (12); Likely benign (5). 2 of the submissions do not count toward it. Last evaluated 2026-07-01.

Conditions:
MITF-related disorder. Also called: MITF-related condition.
Familial melanoma. Also called: Hereditary melanoma; Hereditary cutaneous melanoma. Identifiers: Orphanet 618, MedGen C1512419, MONDO:0018961.
Waardenburg syndrome type 2A (WS2A). Also called: WAARDENBURG SYNDROME WITHOUT DYSTOPIA CANTHORUM. Identifiers: Orphanet 3440, MedGen C1860339, MONDO:0008671, OMIM 193510.
Tietz syndrome (TADS). Also called: ALBINISM-DEAFNESS OF TIETZ; HYPOPIGMENTATION/DEAFNESS OF TIETZ; TIETZ ALBINISM-DEAFNESS SYNDROME. Identifiers: Orphanet 42665, MedGen C0391816, MONDO:0007077, OMIM 103500.
Melanoma, cutaneous malignant, susceptibility to, 8. Also called: Cutaneous malignant melanoma 8; MELANOMA AND RENAL CELL CARCINOMA, SUSCEPTIBILITY TO. Identifiers: Orphanet 293822, MedGen C3152204, MONDO:0013759, OMIM 614456.
Hereditary cancer-predisposing syndrome. Also called: Neoplastic Syndromes, Hereditary; Tumor predisposition; Hereditary Cancer Syndrome; Hereditary neoplastic syndrome. Identifiers: Orphanet 140162, MedGen C0027672, MeSH D009386, MONDO:0015356.

Allele frequency attached by ClinVar (database versions not stated): 1000 Genomes Project 30x 0.00047; 1000 Genomes Project 0.00060; gnomAD 0.00201 and 0.00210; TOPMed 0.00205; ESP Exome Variant Server 0.00261; ExAC 0.00287; gnomAD exomes 0.00289 and 0.00324.
gnomAD v4.1: 5,063 of 1,613,980 alleles (0.31%); highest among the groups gnomAD compares: South Asian, 0.59%; 18 homozygotes.

Submissions (19):

CeGaT Center for Human Genetics Tuebingen
Classification: Likely benign. Last evaluated: 2026-07-01. Review status: criteria provided, single submitter. Criteria: CeGaT Center For Human Genetics Tuebingen Variant Classification Criteria Version 2. Collection method: clinical testing. Allele origin: germline. Affected: yes. Observed: 29 variant alleles.
Comment: MITF: BP4, BS2

Labcorp Genetics (formerly Invitae), Labcorp
Classification: Benign for Melanoma, cutaneous malignant, susceptibility to, 8; Waardenburg syndrome type 2A; Tietz syndrome. Last evaluated: 2026-02-04. Review status: criteria provided, single submitter. Criteria: Invitae Variant Classification Sherloc (09022015). Collection method: clinical testing. Allele origin: germline.

Center for Genomic Medicine, Rigshospitalet, Copenhagen University Hospital
Classification: Likely benign. Last evaluated: 2025-03-04. Review status: criteria provided, single submitter. Criteria: ACMG Guidelines, 2015. Collection method: clinical testing. Allele origin: germline.

KCCC/NGS Laboratory, Kuwait Cancer Control Center
Classification: Benign for Waardenburg syndrome type 2A. Last evaluated: 2025-02-01. Review status: criteria provided, single submitter. Criteria: ACMG Guidelines, 2015. Collection method: clinical testing. Allele origin: germline. Affected: no.

Blueprint Genetics
Classification: Likely benign. Last evaluated: 2024-11-26. Review status: criteria provided, single submitter. Criteria: ACMG Guidelines, 2015. Collection method: clinical testing. Allele origin: germline.

Ambry Genetics
Classification: Likely benign for Hereditary cancer-predisposing syndrome. Last evaluated: 2024-10-02. Review status: criteria provided, single submitter. Criteria: Ambry Variant Classification Scheme 2023. Collection method: clinical testing. Allele origin: germline.

Department of Pathology and Laboratory Medicine, Sinai Health System
Classification: Benign for Familial melanoma. Last evaluated: 2023-09-19. Review status: criteria provided, single submitter. Criteria: ACMG Guidelines, 2015. Collection method: clinical testing. Allele origin: germline. Affected: yes.

KCCC/NGS Laboratory, Kuwait Cancer Control Center
Classification: Benign for Melanoma, cutaneous malignant, susceptibility to, 8. Last evaluated: 2023-07-07. Review status: criteria provided, single submitter. Criteria: ACMG Guidelines, 2015. Collection method: clinical testing. Allele origin: germline. Affected: yes.

Genetic Services Laboratory, University of Chicago
Classification: Benign. Last evaluated: 2021-09-27. Review status: criteria provided, single submitter. Criteria: ACMG Guidelines, 2015. Collection method: clinical testing. Allele origin: germline. Affected: no.

Sema4
Classification: Benign for Hereditary cancer-predisposing syndrome. Last evaluated: 2020-10-09. Review status: criteria provided, single submitter. Criteria: Sema4 Curation Guidelines. Collection method: curation. Allele origin: germline.

Athena Diagnostics
Classification: Benign. Last evaluated: 2019-02-21. Review status: criteria provided, single submitter. Criteria: Athena Diagnostics Criteria. Collection method: clinical testing. Allele origin: germline.

GeneDx
Classification: Benign. Last evaluated: 2019-02-12. Review status: criteria provided, single submitter. Criteria: GeneDx Variant Classification Process June 2021. Collection method: clinical testing. Allele origin: germline. Affected: yes.

Illumina Laboratory Services, Illumina
Classification: Benign for Tietz syndrome. Last evaluated: 2018-01-12. Review status: criteria provided, single submitter. Criteria: ICSL Variant Classification Criteria 13 December 2019. Collection method: clinical testing. Allele origin: germline.
Comment: This variant was observed in the ICSL laboratory as part of a predisposition screen in an ostensibly healthy population. It had not been previously curated by ICSL or reported in the Human Gene Mutation Database (HGMD: prior to June 1st, 2018), and was therefore a candidate for classification through an automated scoring system. Utilizing variant allele frequency, disease prevalence and penetrance estimates, and inheritance mode, an automated score was calculated to assess if this variant is too frequent to cause the disease. Based on the score and internal cut-off values, a variant classified as benign is not then subjected to further curation. The score for this variant resulted in a classification of benign for this disease.

Illumina Laboratory Services, Illumina
Classification: Benign for Waardenburg syndrome type 2A. Last evaluated: 2018-01-12. Review status: criteria provided, single submitter. Criteria: ICSL Variant Classification Criteria 13 December 2019. Collection method: clinical testing. Allele origin: germline.
Comment: the same text as in the submission from Illumina Laboratory Services, Illumina above.

Women's Health and Genetics/Laboratory Corporation of America, LabCorp
Classification: Benign. Last evaluated: 2016-03-03. Review status: criteria provided, single submitter. Criteria: LabCorp Variant Classification Summary - May 2015. Collection method: clinical testing. Allele origin: germline.

Laboratory for Molecular Medicine, Mass General Brigham Personalized Medicine
Classification: Benign. Last evaluated: 2014-11-24. Review status: criteria provided, single submitter. Criteria: LMM Criteria. Collection method: clinical testing. Allele origin: germline. Observed: 5 variant alleles.
Comment: His122His in exon 3 of MITF: This variant is not expected to have clinical signi ficance because it does not alter an amino acid residue and is not located withi n the splice consensus sequence. It has been identified in 0.3% (30/8600) of Eur opean American chromosomes from a broad population by the NHLBI Exome Sequencing Project (dbSNP rs140663277).

Breakthrough Genomics
Classification: Likely benign. Review status: criteria provided, single submitter. Criteria: ACMG Guidelines, 2015. Collection method: not provided. Allele origin: germline. Inheritance: Autosomal recessive inheritance. Affected: yes.

PreventionGenetics, part of Exact Sciences
Classification: Benign for MITF-related condition. Last evaluated: 2020-07-20. Review status: no assertion criteria provided. Collection method: clinical testing. Allele origin: germline. Not counted in ClinVar's aggregate classification.
Comment: This variant is classified as benign based on ACMG/AMP sequence variant interpretation guidelines (Richards et al. 2015 PMID: 25741868, with internal and published modifications).

Clinical Genetics DNA and cytogenetics Diagnostics Lab, Erasmus MC, Erasmus Medical Center
Classification: Likely benign. Review status: no assertion criteria provided. Collection method: clinical testing. Allele origin: germline. Affected: yes. Study: VKGL Data-share Consensus. Not counted in ClinVar's aggregate classification.

NM_001354604.2(MITF):c.366C>T (p.His122=)

Gene: MITF (melanocyte inducing transcription factor; plus strand). Cytogenetic location: 3p13.
Variant type: single nucleotide variant.
Coding change: c.366C>T on transcript NM_001354604.2 (MANE Select); coding-DNA position 366, C replaced by T.
Protein change: p.His122=; no amino-acid change (histidine 122 retained).
Molecular consequence: synonymous variant.
Genome position (GRCh38, 1-based): chr3:69,937,833, C>T. VCF-style: chr3-69937833-C-T. GRCh37 (hg19) VCF-style: chr3-69986984-C-T.
Other names: c.45C>T, p.His15= (NM_000248.4, NM_001184968.2, NM_198158.3 and 1 more transcripts); c.210C>T, p.His70= (NM_001184967.2, NM_001354608.2); c.363C>T, p.His121= (NM_001354605.2, NM_001354606.2, NM_006722.3); c.315C>T, p.His105= (NM_001354607.2); c.366C>T, p.His122= (NM_198159.3); c.318C>T, p.His106= (NM_198177.3).
Identifiers: ClinVar variation 226728 (VCV000226728.66), dbSNP rs140663277, ClinGen allele CA2490350.